The following is an entry in ClinVar:

NM_001042492.3(NF1):c.1962_1975dup (p.Arg659fs)

Gene: NF1 (neurofibromin 1; plus strand). Cytogenetic location: 17q11.2.
Variant type: Duplication.
Coding change: c.1962_1975dup on transcript NM_001042492.3 (MANE Select); coding-DNA positions 1962 to 1975, 14 bases duplicated (TGGAGCCTCTCTCC).
Protein change: p.Arg659fs; shifts the reading frame from arginine 659.
Molecular consequence: frameshift variant.
Genome position (GRCh38, 1-based): chr17:31,225,211-31,225,224, TGGAGCCTCTCTCC duplicated; duplicating any 14 consecutive bases within chr17:31,225,207-31,225,224 gives the same sequence; the c. name uses the placement nearest the transcript's 3' end. VCF-style (leftmost placement, unchanged base first): chr17-31225206-A-ACTCCTGGAGCCTCT. GRCh37 (hg19) VCF-style: chr17-29552224-A-ACTCCTGGAGCCTCT.
Other names: c.1962_1975dup, p.Arg659fs (NM_000267.4); short protein forms R659fs.
Identifiers: ClinVar variation 4713341 (VCV004713341.1).

ClinVar aggregate classification (germline): Pathogenic (1 of 4 stars; one submission).

Conditions:
Neurofibromatosis, type 1 (NF1). Also called: VON RECKLINGHAUSEN DISEASE; Peripheral type neurofibromatosis; NEUROFIBROMATOSIS, TYPE I, SOMATIC; Neurofibromatosis, type I. Identifiers: Orphanet 636, MedGen C0027831, MONDO:0018975, OMIM 162200. Disease mechanism: loss of function.

Submission:

Labcorp Genetics (formerly Invitae), Labcorp
Classification: Pathogenic for Neurofibromatosis, type 1. Last evaluated: 2025-02-18. Review status: criteria provided, single submitter. Criteria: Invitae Variant Classification Sherloc (09022015). Collection method: clinical testing. Allele origin: germline.
Comment: This sequence change creates a premature translational stop signal (p.Arg659Leufs*34) in the NF1 gene. It is expected to result in an absent or disrupted protein product. Loss-of-function variants in NF1 are known to be pathogenic (PMID: 10712197, 23913538). This variant is not present in population databases (gnomAD no frequency). This variant has not been reported in the literature in individuals affected with NF1-related conditions. For these reasons, this variant has been classified as Pathogenic.

Literature cited by the submitters: PubMed 10712197; PubMed 23913538.